The following is an entry in ClinVar:

NM_005273.4(GNB2):c.30G>A (p.Glu10=)

Genes: GNB2 (G protein subunit beta 2; plus strand), LOC129998974 (ATAC-STARR-seq lymphoblastoid silent region 18458; plus strand). Cytogenetic location: 7q22.1.
Variant type: single nucleotide variant.
Coding change: c.30G>A on transcript NM_005273.4 (MANE Select); coding-DNA position 30, G replaced by A.
Protein change: p.Glu10=; no amino-acid change (glutamic acid 10 retained).
Molecular consequence: synonymous variant.
Genome position (GRCh38, 1-based): chr7:100,676,295, G>A. VCF-style: chr7-100676295-G-A. GRCh37 (hg19) VCF-style: chr7-100273918-G-A.
Identifiers: ClinVar variation 4874749 (VCV004874749.2).

ClinVar aggregate classification (germline): Likely benign (1 of 4 stars; one submission).

gnomAD v4.1: 22 of 1,608,416 alleles (0.0014%); highest among the groups gnomAD compares: Admixed American, 0.037%; no homozygotes.

Submission:

CeGaT Center for Human Genetics Tuebingen
Classification: Likely benign. Last evaluated: 2026-04-01. Review status: criteria provided, single submitter. Criteria: CeGaT Center For Human Genetics Tuebingen Variant Classification Criteria Version 2. Collection method: clinical testing. Allele origin: germline. Affected: yes. Observed: 1 variant allele.
Comment: GNB2: BP4, BP7